The following is an entry in ClinVar:

NM_003568.3(ANXA9):c.942G>T (p.Lys314Asn)

Gene: ANXA9 (annexin A9; plus strand). Cytogenetic location: 1q21.3.
Variant type: single nucleotide variant.
Coding change: c.942G>T on transcript NM_003568.3 (MANE Select); coding-DNA position 942, G replaced by T.
Protein change: p.Lys314Asn; replaces lysine 314 with asparagine.
Molecular consequence: missense variant.
Genome position (GRCh38, 1-based): chr1:150,994,666, G>T. VCF-style: chr1-150994666-G-T. GRCh37 (hg19) VCF-style: chr1-150967142-G-T.
Other names: short protein forms K314N.
Identifiers: ClinVar variation 4112941 (VCV004112941.2).

ClinVar aggregate classification (germline): Conflicting classifications of pathogenicity. Review status: criteria provided, conflicting classifications (1 of 4 stars). 2 submissions from 2 submitters: Uncertain significance (1); Likely benign (1). Last evaluated 2026-07-01.

gnomAD v4.1: 340 of 1,614,072 alleles (0.021%); highest among the groups gnomAD compares: Admixed American, 0.49%; 3 homozygotes.

Submissions (2):

CeGaT Center for Human Genetics Tuebingen
Classification: Likely benign. Last evaluated: 2026-07-01. Review status: criteria provided, single submitter. Criteria: CeGaT Center For Human Genetics Tuebingen Variant Classification Criteria Version 2. Collection method: clinical testing. Allele origin: germline. Affected: yes. Observed: 1 variant allele.
Comment: ANXA9: BP4

Ambry Genetics
Classification: Uncertain significance. Last evaluated: 2025-08-04. Review status: criteria provided, single submitter. Criteria: Ambry Variant Classification Scheme 2023. Collection method: clinical testing. Allele origin: germline.